The following is an entry in ClinVar:

NM_020778.5(ALPK3):c.4474G>A (p.Ala1492Thr)

Gene: ALPK3 (alpha kinase 3; plus strand). Cytogenetic location: 15q25.3.
Variant type: single nucleotide variant.
Coding change: c.4474G>A on transcript NM_020778.5 (MANE Select); coding-DNA position 4474, G replaced by A.
Protein change: p.Ala1492Thr; replaces alanine 1492 with threonine.
Molecular consequence: missense variant.
Genome position (GRCh38, 1-based): chr15:84,863,615, G>A. VCF-style: chr15-84863615-G-A. GRCh37 (hg19) VCF-style: chr15-85406846-G-A.
Other names: short protein forms A1694T, A1492T.
Identifiers: ClinVar variation 390450 (VCV000390450.20), dbSNP rs114449938, ClinGen allele CA7709981.
Genomic context (GRCh38, chr15:84,863,615, plus strand): 5'-TGCAAGATCCAGAACATGAGTCGGGAGTACTGCAAAATCTTCGCAGCAGAAGCCCGGGCC[G>A]CGCCTGGCTTTGGGGAGGTGCCTGAGTAAGTACGCAGCGAGGAGGACGTGCAGTGTGCAG-3'
Protein context (NP_065829.4, residues 1482-1502): CKIFAAEARA[Ala1492Thr]PGFGEVPEII

ClinVar aggregate classification (germline): Benign/Likely benign. Review status: criteria provided, multiple submitters, no conflicts (2 of 4 stars). 8 submissions from 8 submitters: Benign (4); Likely benign (4). Last evaluated 2026-02-03.

Conditions:
Cardiomyopathy, familial hypertrophic 27. Identifiers: MedGen C4748014, MONDO:0054838, OMIM 618052.
Cardiovascular phenotype. Identifiers: MedGen CN230736.

Allele frequency attached by ClinVar (database versions not stated): gnomAD exomes 0.00094; ExAC 0.00117; 1000 Genomes Project 0.00200; 1000 Genomes Project 30x 0.00250; ESP Exome Variant Server 0.00308; gnomAD 0.00317 and 0.00349; TOPMed 0.00356.
gnomAD v4.1: 1,008 of 1,614,060 alleles (0.062%); highest among the groups gnomAD compares: African/African-American, 1.2%; 7 homozygotes.

Submissions (8):

Labcorp Genetics (formerly Invitae), Labcorp
Classification: Benign. Last evaluated: 2026-02-03. Review status: criteria provided, single submitter. Criteria: Invitae Variant Classification Sherloc (09022015). Collection method: clinical testing. Allele origin: germline.

Women's Health and Genetics/Laboratory Corporation of America, LabCorp
Classification: Likely benign. Last evaluated: 2025-11-10. Review status: criteria provided, single submitter. Criteria: LabCorp Variant Classification Summary - May 2015. Collection method: clinical testing. Allele origin: germline.
Comment: Variant summary: ALPK3 c.4474G>A (p.Ala1492Thr) results in a non-conservative amino acid change located in the Immunoglobulin subtype 2 (IPR003598) of the encoded protein sequence. Algorithms developed to predict the effect of missense changes on protein structure and function are either unavailable or do not agree on the potential impact of this missense change. The variant allele was found at a frequency of 0.00094 in 251012 control chromosomes, predominantly at a frequency of 0.013 within the African or African-American subpopulation in the gnomAD database, including 2 homozygotes. The observed variant frequency within African or African-American control individuals in the gnomAD database exceeds the estimated maximal expected allele frequency for disease-causing variants in ALPK3. To our knowledge, no occurrence of c.4474G>A in individuals affected with ALPK3-related conditions and no experimental evidence demonstrating its impact on protein function have been reported. ClinVar contains an entry for this variant (Variation ID: 390450). Based on the evidence outlined above, the variant was classified as likely benign.

Molecular Diagnostic Laboratory for Inherited Cardiovascular Disease, Montreal Heart Institute
Classification: Likely benign. Last evaluated: 2025-04-09. Review status: criteria provided, single submitter. Criteria: ACMG Guidelines, 2015. Collection method: clinical testing. Allele origin: germline. Affected: no.

Blueprint Genetics
Classification: Likely benign. Last evaluated: 2024-09-30. Review status: criteria provided, single submitter. Criteria: ACMG Guidelines, 2015. Collection method: clinical testing. Allele origin: germline.

ARUP Laboratories, Molecular Genetics and Genomics, ARUP Laboratories
Classification: Likely benign for Cardiomyopathy, familial hypertrophic 27. Last evaluated: 2024-05-14. Review status: criteria provided, single submitter. Criteria: ARUP Molecular Germline Variant Investigation Process 2024. Collection method: clinical testing. Allele origin: germline.

GeneDx
Classification: Benign. Last evaluated: 2019-08-02. Review status: criteria provided, single submitter. Criteria: GeneDx Variant Classification Process June 2021. Collection method: clinical testing. Allele origin: germline. Affected: yes.

Ambry Genetics
Classification: Benign for Cardiovascular phenotype. Last evaluated: 2019-03-15. Review status: criteria provided, single submitter. Criteria: Ambry Variant Classification Scheme 2023. Collection method: clinical testing. Allele origin: germline.

Breakthrough Genomics
Classification: Benign. Review status: criteria provided, single submitter. Criteria: ACMG Guidelines, 2015. Collection method: not provided. Allele origin: germline. Inheritance: Autosomal recessive inheritance. Affected: yes.